The following is an entry in ClinVar:

NM_000254.3(MTR):c.3281G>A (p.Arg1094His)

Gene: MTR (5-methyltetrahydrofolate-homocysteine methyltransferase; plus strand). Cytogenetic location: 1q43.
Variant type: single nucleotide variant.
Coding change: c.3281G>A on transcript NM_000254.3 (MANE Select); coding-DNA position 3281, G replaced by A.
Protein change: p.Arg1094His; replaces arginine 1094 with histidine.
Molecular consequence: missense variant.
Genome position (GRCh38, 1-based): chr1:236,894,433, G>A. VCF-style: chr1-236894433-G-A. GRCh37 (hg19) VCF-style: chr1-237057733-G-A.
Other names: c.3128G>A, p.Arg1043His (NM_001291939.1); c.2060G>A, p.Arg687His (NM_001291940.2); short protein forms R1043H, R1094H, R687H.
Identifiers: ClinVar variation 854370 (VCV000854370.8), dbSNP rs764803333, ClinGen allele CA1474658.

ClinVar aggregate classification (germline): Uncertain significance. Review status: criteria provided, multiple submitters, no conflicts (2 of 4 stars). 2 submissions from 2 submitters: Uncertain significance (2). Last evaluated 2025-09-25.

Conditions:
Methylcobalamin deficiency type cblG (HMAG). Also called: HOMOCYSTINURIA-MEGALOBLASTIC ANEMIA DUE TO DEFECT IN COBALAMIN METABOLISM, cblG COMPLEMENTATION TYPE; Functional methionine synthase deficiency type cblG; HOMOCYSTINURIA-MEGALOBLASTIC ANEMIA, cblG COMPLEMENTATION TYPE; HOMOCYSTINURIA-MEGALOBLASTIC ANEMIA, cblG TYPE. Identifiers: Orphanet 2170, Orphanet 622, MedGen C1855128, MONDO:0009609, OMIM 250940.
Inborn genetic diseases. Identifiers: MedGen C0950123, MeSH D030342.

Allele frequency attached by ClinVar (database versions not stated): ExAC 0.00001; gnomAD 0.00001; gnomAD exomes 0.00001 and 0.00003; TOPMed 0.00002.
gnomAD v4.1: 39 of 1,614,094 alleles (0.0024%); highest among the groups gnomAD compares: Non-Finnish European, 0.0031%; no homozygotes.

Submissions (2):

Ambry Genetics
Classification: Uncertain significance for Inborn genetic diseases. Last evaluated: 2025-09-25. Review status: criteria provided, single submitter. Criteria: Ambry Variant Classification Scheme 2023. Collection method: clinical testing. Allele origin: germline.

Labcorp Genetics (formerly Invitae), Labcorp
Classification: Uncertain significance for Methylcobalamin deficiency type cblG. Last evaluated: 2021-08-24. Review status: criteria provided, single submitter. Criteria: Invitae Variant Classification Sherloc (09022015). Collection method: clinical testing. Allele origin: germline.
Comment: This sequence change replaces arginine with histidine at codon 1094 of the MTR protein (p.Arg1094His). The arginine residue is weakly conserved and there is a small physicochemical difference between arginine and histidine. This variant is present in population databases (rs764803333, ExAC 0.001%). This variant has not been reported in the literature in individuals affected with MTR-related conditions. Algorithms developed to predict the effect of missense changes on protein structure and function (SIFT, PolyPhen-2, Align-GVGD) all suggest that this variant is likely to be tolerated. In summary, the available evidence is currently insufficient to determine the role of this variant in disease. Therefore, it has been classified as a Variant of Uncertain Significance.